The following is an entry in ClinVar:

ClinVar aggregate classification (germline): Uncertain significance. Review status: criteria provided, multiple submitters, no conflicts (2 of 4 stars). 2 submissions from 2 submitters: Uncertain significance (2). Last evaluated 2025-04-22.

Allele frequency attached by ClinVar (database versions not stated): ExAC 0.00001; TOPMed 0.00001; gnomAD exomes 0.00002 and 0.00004.
gnomAD v4.1: 9 of 1,612,878 alleles (0.00056%); highest among the groups gnomAD compares: Admixed American, 0.015%; no homozygotes.

Submissions (2):

Labcorp Genetics (formerly Invitae), Labcorp
Classification: Uncertain significance. Last evaluated: 2025-04-22. Review status: criteria provided, single submitter. Criteria: Invitae Variant Classification Sherloc (09022015). Collection method: clinical testing. Allele origin: germline.
Comment: This sequence change replaces glutamic acid, which is acidic and polar, with glycine, which is neutral and non-polar, at codon 118 of the CCDC50 protein (p.Glu118Gly). This variant is present in population databases (rs753554570, gnomAD 0.02%). This variant has not been reported in the literature in individuals affected with CCDC50-related conditions. ClinVar contains an entry for this variant (Variation ID: 666799). An algorithm developed to predict the effect of missense changes on protein structure and function (PolyPhen-2) suggests that this variant is likely to be disruptive. In summary, the available evidence is currently insufficient to determine the role of this variant in disease. Therefore, it has been classified as a Variant of Uncertain Significance.

Laboratory for Molecular Medicine, Mass General Brigham Personalized Medicine
Classification: Uncertain significance. Last evaluated: 2018-04-12. Review status: criteria provided, single submitter. Criteria: LMM Criteria. Collection method: clinical testing. Allele origin: germline. Observed: 1 variant allele.
Comment: The p.Glu118Gly variant in CCDC50 has not been previously reported in individual s with hearing loss, but has been identified in 8/33554 Latino chromosomes by th e Genome Aggregation Database (gnomAD; dbSNP r s753554570). Although this variant has been seen in the general population, its frequency is not high enough to rule out a pathogenic role. Computational predic tion tools and conservation analysis suggest that the p.Glu118Gly variant may im pact the protein, though this information is not predictive enough to determine pathogenicity. In summary, the clinical significance of the p.Gly118Gly variant is uncertain. ACMG/AMP Criteria applied: PM2_Supporting, PP3.

NM_178335.3(CCDC50):c.353A>G (p.Glu118Gly)

Gene: CCDC50 (coiled-coil domain containing 50; plus strand). Cytogenetic location: 3q28.
Variant type: single nucleotide variant.
Coding change: c.353A>G on transcript NM_178335.3 (MANE Select); coding-DNA position 353, A replaced by G.
Protein change: p.Glu118Gly; replaces glutamic acid 118 with glycine.
Molecular consequence: missense variant.
Genome position (GRCh38, 1-based): chr3:191,369,941, A>G. VCF-style: chr3-191369941-A-G. GRCh37 (hg19) VCF-style: chr3-191087730-A-G.
Other names: c.353A>G, p.Glu118Gly (NM_174908.4); short protein forms E118G.
Identifiers: ClinVar variation 666799 (VCV000666799.9), dbSNP rs753554570, ClinGen allele CA2755238.
Genomic context (GRCh38, chr3:191,369,941, plus strand): 5'-TGGTAATGTGTATTTCCATTCTCCTCTTGTCTTTGCAGGACATAGCTCGCCTTTTGCAAG[A>G]AAAGGAGTTACAGGAAGAGAAAAAGAGAAAGAAACACTTTCCAGAGTTCCCTGCAACCCG-3'
Protein context (NP_848018.1, residues 108-128): KDEDIARLLQ[Glu118Gly]KELQEEKKRK